The following is an entry in ClinVar:

ClinVar aggregate classification (germline): Conflicting classifications of pathogenicity. Review status: criteria provided, conflicting classifications (1 of 4 stars). 5 submissions from 5 submitters: Uncertain significance (4); Likely benign (1). Last evaluated 2024-07-03.

Conditions:
Hereditary cancer-predisposing syndrome. Also called: Hereditary neoplastic syndrome; Hereditary Cancer Syndrome; Neoplastic Syndromes, Hereditary; Tumor predisposition. Identifiers: Orphanet 140162, MedGen C0027672, MeSH D009386, MONDO:0015356.
Breast-ovarian cancer, familial, susceptibility to, 2 (BROVCA2). Also called: BRCA2 Hereditary Breast and Ovarian Cancer. Identifiers: Orphanet 145, MedGen C2675520, MONDO:0012933, OMIM 612555. Disease mechanism: loss of function.
Hereditary breast ovarian cancer syndrome. Also called: Hereditary breast and ovarian cancer syndrome; BRCA1- and BRCA2-Associated Hereditary Breast and Ovarian Cancer; Hereditary breast and/or ovarian cancer syndrome; Hereditary breast and ovarian cancer; Breast and ovarian cancer; Hereditary breast and ovarian cancer syndrome (HBOC). Identifiers: Orphanet 145, MedGen C0677776, MeSH D061325, MONDO:0003582. Disease mechanism: loss of function.

Allele frequency attached by ClinVar (database versions not stated): gnomAD exomes below 0.00001.

Submissions (5):

Ambry Genetics
Classification: Uncertain significance for Hereditary cancer-predisposing syndrome. Last evaluated: 2024-07-03. Review status: criteria provided, single submitter. Criteria: Ambry Variant Classification Scheme 2023. Collection method: clinical testing. Allele origin: germline.
Comment: The p.N2119K variant (also known as c.6357C>G), located in coding exon 10 of the BRCA2 gene, results from a C to G substitution at nucleotide position 6357. The asparagine at codon 2119 is replaced by lysine, an amino acid with similar properties. This amino acid position is not well conserved in available vertebrate species. In addition, this alteration is predicted to be tolerated by in silico analysis. Since supporting evidence is limited at this time, the clinical significance of this alteration remains unclear.

Labcorp Genetics (formerly Invitae), Labcorp
Classification: Uncertain significance for Hereditary breast ovarian cancer syndrome. Last evaluated: 2024-05-31. Review status: criteria provided, single submitter. Criteria: Invitae Variant Classification Sherloc (09022015). Collection method: clinical testing. Allele origin: germline.
Comment: This sequence change replaces asparagine, which is neutral and polar, with lysine, which is basic and polar, at codon 2119 of the BRCA2 protein (p.Asn2119Lys). This variant is present in population databases (no rsID available, gnomAD 0.0009%). This variant has not been reported in the literature in individuals affected with BRCA2-related conditions. ClinVar contains an entry for this variant (Variation ID: 419795). Advanced modeling of protein sequence and biophysical properties (such as structural, functional, and spatial information, amino acid conservation, physicochemical variation, residue mobility, and thermodynamic stability) performed at Invitae indicates that this missense variant is not expected to disrupt BRCA2 protein function with a negative predictive value of 95%. In summary, the available evidence is currently insufficient to determine the role of this variant in disease. Therefore, it has been classified as a Variant of Uncertain Significance.

All of Us Research Program, National Institutes of Health
Classification: Uncertain significance for Breast-ovarian cancer, familial, susceptibility to, 2. Last evaluated: 2023-06-28. Review status: criteria provided, single submitter. Criteria: ACMG Guidelines, 2015. Collection method: clinical testing. Allele origin: germline. Inheritance: Autosomal dominant inheritance. Observed: 1 variant allele, 1 heterozygote.
Comment: This missense variant replaces asparagine with lysine at codon 2119 of the BRCA2 protein. Computational prediction suggests that this variant may not impact protein structure and function (internally defined REVEL score threshold <= 0.5, PMID: 27666373). To our knowledge, functional studies have not been reported for this variant. This variant has not been reported in individuals affected with hereditary cancer in the literature. This variant has been identified in 1/243084 chromosomes in the general population by the Genome Aggregation Database (gnomAD). The available evidence is insufficient to determine the role of this variant in disease conclusively. Therefore, this variant is classified as a Variant of Uncertain Significance.

This study involves interpretation of variants in research participants for the purpose of population health screening. Participant phenotype was not available at the time of variant classification. Additional details can be found in publication PMID: 35346344, PMCID: PMC8962531

University of Washington Department of Laboratory Medicine, University of Washington
Classification: Likely benign for Hereditary cancer-predisposing syndrome. Last evaluated: 2023-03-23. Review status: criteria provided, single submitter. Criteria: Dines et al. (Genet Med. 2020). Collection method: curation. Allele origin: germline.
Comment: Missense variant in a coldspot region where missense variants are very unlikely to be pathogenic (PMID:31911673).

BRCA2 exon 11 coldspot. Reclassification based on statistical prior probability.

GeneDx
Classification: Uncertain significance. Last evaluated: 2015-09-03. Review status: criteria provided, single submitter. Criteria: GeneDx Variant Classification (06012015). Collection method: clinical testing. Allele origin: germline. Affected: yes.
Comment: This variant is denoted BRCA2 c.6357C>G at the cDNA level, p.Asn2119Lys (N2119K) at the protein level, and results in the change of an Asparagine to a Lysine (AAC>AAG). Using alternate nomenclature, this variant would be defined as BRCA2 6585C>G. This variant has not, to our knowledge, been published in the literature as pathogenic or benign. BRCA2 Asn2119Lys was not observed in approximately 6,500 individuals of European and African American ancestry in the NHLBI Exome Sequencing Project, indicating it is not a common benign variant in these populations. Since Asparagine and Lysine differ in some properties, this is considered a semi-conservative amino acid substitution. BRCA2 Asn2119Lys occurs at a position that is not conserved and is not located in a known functional domain (UniProt). In silico analyses predict that this variant is unlikely to alter protein structure or function. Based on currently available information, it is unclear whether BRCA2 Asn2119Lys is pathogenic or benign. We consider it to be a variant of uncertain significance.

NM_000059.4(BRCA2):c.6357C>G (p.Asn2119Lys)

Gene: BRCA2 (BRCA2 DNA repair associated; plus strand). Cytogenetic location: 13q13.1.
Variant type: single nucleotide variant.
Coding change: c.6357C>G on transcript NM_000059.4 (MANE Select); coding-DNA position 6357, C replaced by G.
Protein change: p.Asn2119Lys; replaces asparagine 2119 with lysine.
Molecular consequence: missense variant.
Genome position (GRCh38, 1-based): chr13:32,340,712, C>G. VCF-style: chr13-32340712-C-G. GRCh37 (hg19) VCF-style: chr13-32914849-C-G.
Other names: short protein forms N2119K.
Identifiers: ClinVar variation 419795 (VCV000419795.17), dbSNP rs1064794110, ClinGen allele CA16619741.